The following is an entry in ClinVar:

NM_012062.5(DNM1L):c.1493A>T (p.His498Leu)

Gene: DNM1L (dynamin 1 like; plus strand). Cytogenetic location: 12p11.21.
Variant type: single nucleotide variant.
Coding change: c.1493A>T on transcript NM_012062.5 (MANE Select); coding-DNA position 1493, A replaced by T.
Protein change: p.His498Leu; replaces histidine 498 with leucine.
Molecular consequence: missense variant.
Genome position (GRCh38, 1-based): chr12:32,733,761, A>T. VCF-style: chr12-32733761-A-T. GRCh37 (hg19) VCF-style: chr12-32886695-A-T.
Other names: c.884A>T, p.His295Leu (NM_001278466.2); c.1532A>T, p.His511Leu (NM_001330380.2, NM_001278464.2, NM_001278465.2); c.1493A>T, p.His498Leu (NM_005690.5, NM_012063.4, NM_001278463.2); short protein forms H295L, H498L, H511L.
Identifiers: ClinVar variation 2767435 (VCV002767435.3), dbSNP rs2541091582, ClinGen allele CA384360205.
Genomic context (GRCh38, chr12:32,733,761, plus strand): 5'-TACTTTTTTTCTAGGTCCATAACTTAGTGGCAATTGAACTGGCTTATATCAACACAAAAC[A>T]TCCAGACTTTGCTGATGCTTGTGGGCTAATGAACAATAATATAGAGGTAAATATAATTCT-3'
Protein context (NP_036192.2, residues 488-508): AIELAYINTK[His498Leu]PDFADACGLM

ClinVar aggregate classification (germline): Uncertain significance (1 of 4 stars; one submission).

Submission:

Labcorp Genetics (formerly Invitae), Labcorp
Classification: Uncertain significance. Last evaluated: 2023-10-10. Review status: criteria provided, single submitter. Criteria: Invitae Variant Classification Sherloc (09022015). Collection method: clinical testing. Allele origin: germline.
Comment: This sequence change replaces histidine, which is basic and polar, with leucine, which is neutral and non-polar, at codon 498 of the DNM1L protein (p.His498Leu). This variant is not present in population databases (gnomAD no frequency). This variant has not been reported in the literature in individuals affected with DNM1L-related conditions. An algorithm developed to predict the effect of missense changes on protein structure and function (PolyPhen-2) suggests that this variant is likely to be disruptive. In summary, the available evidence is currently insufficient to determine the role of this variant in disease. Therefore, it has been classified as a Variant of Uncertain Significance.